The following is an entry in ClinVar:

NM_004991.4(MECOM):c.643G>A (p.Asp215Asn)

Gene: MECOM (MDS1 and EVI1 complex locus; minus strand). Cytogenetic location: 3q26.2.
Variant type: single nucleotide variant.
Coding change: c.643G>A on transcript NM_004991.4 (MANE Select); coding-DNA position 643, G replaced by A.
Protein change: p.Asp215Asn; replaces aspartic acid 215 with asparagine.
Molecular consequence: missense variant.
Genome position (GRCh38, 1-based): chr3:169,128,031, C>T on the plus strand (G>A on the coding strand, the complement: MECOM is on the minus strand). VCF-style: chr3-169128031-C-T. GRCh37 (hg19) VCF-style: chr3-168845819-C-T.
Other names: c.79G>A, p.Asp27Asn (NM_001164000.2, NM_001205194.2, NM_001366467.2 and 9 more transcripts); c.643G>A, p.Asp215Asn (NM_001366466.2, NM_001366473.2); c.271G>A, p.Asp91Asn (NM_001105077.4); short protein forms D215N, D27N, D91N.
Identifiers: ClinVar variation 4624654 (VCV004624654.1).

ClinVar aggregate classification (germline): Uncertain significance (1 of 4 stars; one submission).

Conditions:
Inborn genetic diseases. Identifiers: MedGen C0950123, MeSH D030342.

gnomAD v4.1: 2 of 1,614,024 alleles (0.00012%); highest among the groups gnomAD compares: Non-Finnish European, 0.00017%; no homozygotes.

Submission:

Ambry Genetics
Classification: Uncertain significance for Inborn genetic diseases. Last evaluated: 2025-10-19. Review status: criteria provided, single submitter. Criteria: Ambry Variant Classification Scheme 2023. Collection method: clinical testing. Allele origin: germline.
Comment: The p.D215N variant (also known as c.643G>A), located in coding exon 5 of the MECOM gene, results from a G to A substitution at nucleotide position 643. The aspartic acid at codon 215 is replaced by asparagine, an amino acid with highly similar properties. This amino acid position is conserved. In addition, this alteration is predicted to be tolerated by in silico analysis. Based on the available evidence, the clinical significance of this variant remains unclear.